The following is an entry in ClinVar:

ClinVar aggregate classification (germline): Uncertain significance (1 of 4 stars; one submission).

Conditions:
Familial temporal lobe epilepsy 7. Identifiers: Orphanet 101046, MedGen C4225327, MONDO:0014639, OMIM 616436.
Norman-Roberts syndrome (LIS2). Also called: Lissencephaly 2 (Norman-Roberts type). Identifiers: Orphanet 89844, MedGen C0796089, MONDO:0009760, OMIM 257320.

Submission:

Labcorp Genetics (formerly Invitae), Labcorp
Classification: Uncertain significance for Familial temporal lobe epilepsy 7; Norman-Roberts syndrome. Last evaluated: 2024-03-26. Review status: criteria provided, single submitter. Criteria: Invitae Variant Classification Sherloc (09022015). Collection method: clinical testing. Allele origin: germline.
Comment: This sequence change replaces alanine, which is neutral and non-polar, with glycine, which is neutral and non-polar, at codon 3385 of the RELN protein (p.Ala3385Gly). This variant is not present in population databases (gnomAD no frequency). This variant has not been reported in the literature in individuals affected with RELN-related conditions. Advanced modeling of protein sequence and biophysical properties (such as structural, functional, and spatial information, amino acid conservation, physicochemical variation, residue mobility, and thermodynamic stability) performed at Invitae indicates that this missense variant is not expected to disrupt RELN protein function with a negative predictive value of 80%. Algorithms developed to predict the effect of sequence changes on RNA splicing suggest that this variant may disrupt the consensus splice site. In summary, the available evidence is currently insufficient to determine the role of this variant in disease. Therefore, it has been classified as a Variant of Uncertain Significance.

NM_005045.4(RELN):c.10154C>G (p.Ala3385Gly)

Genes: SLC26A5-AS1 (SLC26A5 antisense RNA 1; plus strand), RELN (reelin; minus strand). Cytogenetic location: 7q22.1.
Variant type: single nucleotide variant.
Coding change: c.10154C>G on transcript NM_005045.4 (MANE Select); coding-DNA position 10154, C replaced by G.
Protein change: p.Ala3385Gly; replaces alanine 3385 with glycine.
Molecular consequence: missense variant.
Genome position (GRCh38, 1-based): chr7:103,483,680, G>C on the plus strand (C>G on the coding strand, the complement: RELN is on the minus strand). VCF-style: chr7-103483680-G-C. GRCh37 (hg19) VCF-style: chr7-103124127-G-C.
Other names: c.10154C>G, p.Ala3385Gly (NM_173054.3); short protein forms A3385G.
Identifiers: ClinVar variation 3755521 (VCV003755521.2).
Genomic context (GRCh38, chr7:103,483,680, plus strand): 5'-ATGAGACCATGCCTTTCCATTTGGGCCACTTACAGGGGGACATTGTAAGACACTCTCTGA[G>C]CTTGTGTGAAGTCCTTTGGCTGGTGCTGGGCGATGACATGCCAGGTGATCCCGTTGTTGA-3'
Protein context (NP_005036.2, residues 3375-3395): AQHQPKDFTQ[Ala3385Gly]QRVSYNVPLE